The following is an entry in ClinVar:

NM_000138.5(FBN1):c.5340A>C (p.Gly1780=)

Gene: FBN1 (fibrillin 1; minus strand). Cytogenetic location: 15q21.1.
Variant type: single nucleotide variant.
Coding change: c.5340A>C on transcript NM_000138.5 (MANE Select); coding-DNA position 5340, A replaced by C.
Protein change: p.Gly1780=; no amino-acid change (glycine 1780 retained).
Molecular consequence: synonymous variant.
Genome position (GRCh38, 1-based): chr15:48,456,719, T>G on the plus strand (A>C on the coding strand, the complement: FBN1 is on the minus strand). VCF-style: chr15-48456719-T-G. GRCh37 (hg19) VCF-style: chr15-48748916-T-G.
Identifiers: ClinVar variation 495618 (VCV000495618.21), dbSNP rs766501385, ClinGen allele CA054718.

ClinVar aggregate classification (germline): Likely benign. Review status: criteria provided, multiple submitters, no conflicts (2 of 4 stars). 6 submissions from 6 submitters: Likely benign (6). Last evaluated 2025-07-06.

Conditions:
Marfan syndrome (MFS). Also called: MARFAN SYNDROME, TYPE I; FBN1-Related Marfan Syndrome; Marfan syndrome type 1; Marfan's syndrome; Marfan syndrome, classic. Identifiers: Orphanet 284963, Orphanet 558, MedGen C0024796, MONDO:0007947, OMIM 154700.
Familial thoracic aortic aneurysm and aortic dissection (TAAD). Also called: Thoracic aortic aneurysms and dissections. Identifiers: Orphanet 91387, MedGen C4707243, MONDO:0019625.

Allele frequency attached by ClinVar (database versions not stated): TOPMed 0.00001; gnomAD exomes below 0.00001 and 0.00001; ExAC 0.00001.
gnomAD v4.1: 3 of 1,613,768 alleles (0.00019%); highest among the groups gnomAD compares: Admixed American, 0.0033%; no homozygotes.

Submissions (6):

Labcorp Genetics (formerly Invitae), Labcorp
Classification: Likely benign for Marfan syndrome; Familial thoracic aortic aneurysm and aortic dissection. Last evaluated: 2025-07-06. Review status: criteria provided, single submitter. Criteria: Invitae Variant Classification Sherloc (09022015). Collection method: clinical testing. Allele origin: germline.

All of Us Research Program, National Institutes of Health
Classification: Likely benign for Marfan syndrome. Last evaluated: 2024-03-14. Review status: criteria provided, single submitter. Criteria: ACMG Guidelines, 2015. Collection method: clinical testing. Allele origin: germline. Inheritance: Autosomal dominant inheritance. Observed: 3 variant alleles, 3 heterozygotes.
Comment: This study involves interpretation of variants in research participants for the purpose of population health screening. Participant phenotype was not available at the time of variant classification. Additional details can be found in publication PMID: 35346344, PMCID: PMC8962531

Blueprint Genetics
Classification: Likely benign. Last evaluated: 2024-02-13. Review status: criteria provided, single submitter. Criteria: ACMG Guidelines, 2015. Collection method: clinical testing. Allele origin: germline.

Ambry Genetics
Classification: Likely benign for Familial thoracic aortic aneurysm and aortic dissection. Last evaluated: 2020-09-09. Review status: criteria provided, single submitter. Criteria: Ambry Variant Classification Scheme 2023. Collection method: clinical testing. Allele origin: germline.

Women's Health and Genetics/Laboratory Corporation of America, LabCorp
Classification: Likely benign. Last evaluated: 2019-08-28. Review status: criteria provided, single submitter. Criteria: LabCorp Variant Classification Summary - May 2015. Collection method: clinical testing. Allele origin: germline.

Color Diagnostics, LLC DBA Color Health
Classification: Likely benign for Familial thoracic aortic aneurysm and aortic dissection. Last evaluated: 2018-10-17. Review status: criteria provided, single submitter. Criteria: ACMG Guidelines, 2015. Collection method: clinical testing. Allele origin: germline.